The following is an entry in ClinVar:

ClinVar aggregate classification (germline): Conflicting classifications of pathogenicity. Review status: criteria provided, conflicting classifications (1 of 4 stars). 7 submissions from 7 submitters: Pathogenic (1); Likely pathogenic (2); Uncertain significance (1). 3 of the submissions do not count toward it. Last evaluated 2025-12-24.

Conditions:
SDHD-related disorder. Also called: SDHD-related condition.
Pheochromocytoma. Also called: MAX-Related Hereditary Paraganglioma-Pheochromocytoma Syndrome. Identifiers: Orphanet 29072, MedGen C0031511, MONDO:0008233, OMIM 171300, HP:0002666.
Paragangliomas with sensorineural hearing loss. Identifiers: MedGen C1868633.
Cowden syndrome 3 (CWS3). Identifiers: Orphanet 201, MedGen CN166604, MONDO:0014045.
Carney-Stratakis syndrome. Also called: PARAGANGLIOMA AND GASTROINTESTINAL STROMAL TUMOR. Identifiers: Orphanet 97286, MedGen C1847319, MONDO:0011740, OMIM 606864.
Mitochondrial complex 2 deficiency, nuclear type 3. Also called: MITOCHONDRIAL COMPLEX II DEFICIENCY, NUCLEAR TYPE 3. Identifiers: MedGen C5436934, MONDO:0030937, OMIM 619167.
Hereditary cancer-predisposing syndrome. Also called: Hereditary Cancer Syndrome; Neoplastic Syndromes, Hereditary; Hereditary neoplastic syndrome; Tumor predisposition. Identifiers: Orphanet 140162, MedGen C0027672, MeSH D009386, MONDO:0015356.
Mitochondrial complex II deficiency, nuclear type 1. Also called: SUCCINATE CoQ REDUCTASE DEFICIENCY. Identifiers: Orphanet 3208, MedGen C5700310, MONDO:0100294, OMIM 252011.

Allele frequency attached by ClinVar (database versions not stated): gnomAD exomes 0.00001.
gnomAD v4.1: 4 of 1,612,768 alleles (0.00025%); highest among the groups gnomAD compares: Non-Finnish European, 0.00034%; no homozygotes.

Submissions (7):

Labcorp Genetics (formerly Invitae), Labcorp
Classification: Pathogenic for Carney-Stratakis syndrome; Paragangliomas with sensorineural hearing loss; Pheochromocytoma; Cowden syndrome 3. Last evaluated: 2025-12-24. Review status: criteria provided, single submitter. Criteria: Invitae Variant Classification Sherloc (09022015). Collection method: clinical testing. Allele origin: germline.
Comment: This sequence change replaces glutamic acid, which is acidic and polar, with lysine, which is basic and polar, at codon 69 of the SDHD protein (p.Glu69Lys). This variant is present in population databases (rs202198133, gnomAD 0.002%). This missense change has been observed in individual(s) with clinical features of autosomal recessive mitochondrial complex II deficiency (PMID: 24367056, 34012134). It has also been observed to segregate with disease in related individuals. ClinVar contains an entry for this variant (Variation ID: 156153). Invitae Evidence Modeling of protein sequence and biophysical properties (such as structural, functional, and spatial information, amino acid conservation, physicochemical variation, residue mobility, and thermodynamic stability) indicates that this missense variant is expected to disrupt SDHD protein function with a positive predictive value of 95%. Experimental studies have shown that this missense change affects SDHD function (PMID: 24367056). For these reasons, this variant has been classified as Pathogenic.

GeneDx
Classification: Likely pathogenic. Last evaluated: 2025-08-09. Review status: criteria provided, single submitter. Criteria: GeneDx Variant Classification Process June 2021. Collection method: clinical testing. Allele origin: germline. Affected: yes.
Comment: Published functional studies demonstrate a damaging effect: reduced enzyme activities of the individual respiratory chains complexes in skeletal muscle and inability to restore the complex II assembly in a fibroblast cell line (PMID: 24367056); Not observed at significant frequency in large population cohorts (gnomAD); In silico analysis supports that this missense variant has a deleterious effect on protein structure/function; This variant is associated with the following publications: (PMID: 29504908, 33162331, 24367056, 34012134, 38808331)

Ambry Genetics
Classification: Uncertain significance for Hereditary cancer-predisposing syndrome. Last evaluated: 2025-01-03. Review status: criteria provided, single submitter. Criteria: Ambry Variant Classification Scheme 2023. Collection method: clinical testing. Allele origin: germline.
Comment: The p.E69K variant (also known as c.205G>A), located in coding exon 3 of the SDHD gene, results from a G to A substitution at nucleotide position 205. The glutamic acid at codon 69 is replaced by lysine, an amino acid with similar properties. This alteration has been reported in the compound heterozygous state with a second SDHD alteration in an individual with autosomal recessive encephalomyopathy and isolated mitochondrial complex II deficiency (Jackson CB et al. J Med Genet, 2014 Mar;51:170-5). This alteration was also observed to be homozygous in several members of one family who were determined to have mitochondrial complex II deficiency (Lin S et al. Eur J Hum Genet 2021 10;29(10):1570-1576). This amino acid position is highly conserved in available vertebrate species. In addition, this alteration is predicted to be deleterious by in silico analysis. Based on the majority of available evidence to date, this variant is expected to be causative of autosomal recessive mitochondrial complex II deficiency when present along with a second likely pathogenic/pathogenic variant on the other allele; however, its clinical significance for autosomal dominant paraganglioma-pheochromocytoma syndrome is unclear.

Revvity Omics, Revvity
Classification: Likely pathogenic. Last evaluated: 2024-01-22. Review status: criteria provided, single submitter. Criteria: ACMG Guidelines, 2015. Collection method: clinical testing. Allele origin: germline.

PreventionGenetics, part of Exact Sciences
Classification: Likely pathogenic for SDHD-related condition. Last evaluated: 2024-05-01. Review status: no assertion criteria provided. Collection method: clinical testing. Allele origin: germline. Not counted in ClinVar's aggregate classification.
Comment: The SDHD c.205G>A variant is predicted to result in the amino acid substitution p.Glu69Lys. This variant has been reported as compound heterozygous state with a pathogenic variant in SDHD in an individual with autosomal recessive encephalomyopathy and isolated mitochondrial complex II deficiency (Jackson et al 2014. PubMed ID: 24367056). In the same publication, this variant showed no effect on SDHD restoration comparing to wild type by functional complementation of patient’s fibroblasts. In addition, this variant has been reported as homozygous in several members of one family with mitochondrial complex II deficiency (Lin et al 2021. PubMed ID: 34012134). This variant is reported in 0.0018% of alleles in individuals of European (Non-Finnish) descent in gnomAD. This variant is interpreted as likely pathogenic and pathogenic in ClinVar. This variant is interpreted as likely pathogenic.

Rare Disease Group, University of Exeter
Classification: Likely pathogenic for Mitochondrial complex II deficiency, nuclear type 1. Last evaluated: 2020-07-23. Review status: no assertion criteria provided. Collection method: research. Allele origin: inherited. Inheritance: Autosomal recessive inheritance. Affected: yes. Not counted in ClinVar's aggregate classification.

OMIM
Classification: Pathogenic for MITOCHONDRIAL COMPLEX II DEFICIENCY, NUCLEAR TYPE 3. Last evaluated: 2014-03-01. Review status: no assertion criteria provided. Collection method: literature only. Allele origin: germline. Not counted in ClinVar's aggregate classification.

Literature cited by the submitters: PubMed 24367056 (cited by 3 submitters); PubMed 34012134 (cited by 3 submitters).

NM_003002.4(SDHD):c.205G>A (p.Glu69Lys)

Gene: SDHD (succinate dehydrogenase complex subunit D; plus strand). Cytogenetic location: 11q23.1.
Variant type: single nucleotide variant.
Coding change: c.205G>A on transcript NM_003002.4 (MANE Select); coding-DNA position 205, G replaced by A.
Protein change: p.Glu69Lys; replaces glutamic acid 69 with lysine.
Molecular consequence: missense variant. On other transcripts: non-coding transcript variant (1), intron variant (1).
Genome position (GRCh38, 1-based): chr11:112,088,902, G>A. VCF-style: chr11-112088902-G-A. GRCh37 (hg19) VCF-style: chr11-111959626-G-A.
Other names: c.88G>A, p.Glu30Lys (NM_001276504.2); c.205G>A, p.Glu69Lys (NM_001276506.2); c.169+929G>A (NM_001276503.2); short protein forms E69K, E30K.
Identifiers: ClinVar variation 156153 (VCV000156153.22), dbSNP rs202198133, ClinGen allele CA016681.